The following is an entry in ClinVar:

NM_003998.4(NFKB1):c.599C>A (p.Ala200Glu)

Gene: NFKB1 (nuclear factor kappa B subunit 1; plus strand). Cytogenetic location: 4q24.
Variant type: single nucleotide variant.
Coding change: c.599C>A on transcript NM_003998.4 (MANE Select); coding-DNA position 599, C replaced by A.
Protein change: p.Ala200Glu; replaces alanine 200 with glutamic acid.
Molecular consequence: missense variant.
Genome position (GRCh38, 1-based): chr4:102,578,908, C>A. VCF-style: chr4-102578908-C-A. GRCh37 (hg19) VCF-style: chr4-103500065-C-A.
Other names: c.596C>A, p.Ala199Glu (NM_001165412.2, NM_001319226.2, NM_001382627.1); c.599C>A, p.Ala200Glu (NM_001382625.1, NM_001382626.1); c.557C>A, p.Ala186Glu (NM_001382628.1); short protein forms A186E, A199E, A200E.
Identifiers: ClinVar variation 3604932 (VCV003604932.2).

ClinVar aggregate classification (germline): Uncertain significance (1 of 4 stars; one submission).

gnomAD v4.1: 10 of 1,614,132 alleles (0.00062%); highest among the groups gnomAD compares: Admixed American, 0.017%; no homozygotes.

Submission:

Labcorp Genetics (formerly Invitae), Labcorp
Classification: Uncertain significance. Last evaluated: 2024-08-05. Review status: criteria provided, single submitter. Criteria: Invitae Variant Classification Sherloc (09022015). Collection method: clinical testing. Allele origin: germline.
Comment: This sequence change replaces alanine, which is neutral and non-polar, with glutamic acid, which is acidic and polar, at codon 200 of the NFKB1 protein (p.Ala200Glu). This variant is present in population databases (no rsID available, gnomAD 0.01%). This variant has not been reported in the literature in individuals affected with NFKB1-related conditions. An algorithm developed to predict the effect of missense changes on protein structure and function (PolyPhen-2) suggests that this variant is likely to be disruptive. In summary, the available evidence is currently insufficient to determine the role of this variant in disease. Therefore, it has been classified as a Variant of Uncertain Significance.